The following is an entry in ClinVar:

NM_001009944.3(PKD1):c.11255T>G (p.Val3752Gly)

Genes: PKD1 (polycystin 1, transient receptor potential channel interacting; minus strand), PKD1-AS1 (PKD1 antisense RNA 1; plus strand). Cytogenetic location: 16p13.3.
Variant type: single nucleotide variant.
Coding change: c.11255T>G on transcript NM_001009944.3 (MANE Select); coding-DNA position 11255, T replaced by G.
Protein change: p.Val3752Gly; replaces valine 3752 with glycine.
Molecular consequence: missense variant.
Genome position (GRCh38, 1-based): chr16:2,092,494, A>C on the plus strand (T>G on the coding strand, the complement: PKD1 is on the minus strand). VCF-style: chr16-2092494-A-C. GRCh37 (hg19) VCF-style: chr16-2142495-A-C.
Other names: c.11252T>G, p.Val3751Gly (NM_000296.4); short protein forms V3751G, V3752G.
Identifiers: ClinVar variation 3777362 (VCV003777362.2).
Genomic context (GRCh38, chr16:2,092,494, plus strand): 5'-AACAAGAGGAACGATTTAAGTCTTGGGGCACGCCCTGCCAGCTCACCTTCCTGCAGCCGC[A>C]CCTGCCGCAGCCGTGGGGGCCCCAGCTCTGGGCTGGACTGGTTCCCGTGGACGTAGGGCA-3'
Protein context (NP_001009944.3, residues 3742-3762): PELGPPRLRQ[Val3752Gly]RLQEALYPDP

ClinVar aggregate classification (germline): Uncertain significance (1 of 4 stars; one submission).

Submission:

GeneDx
Classification: Uncertain significance. Last evaluated: 2026-10-08. Review status: criteria provided, single submitter. Criteria: GeneDx Variant Classification Process June 2021. Collection method: clinical testing. Allele origin: germline.
Comment: In silico analysis supports that this missense variant has a deleterious effect on protein structure/function; In silico analysis is inconclusive as to whether the variant alters gene splicing. In the absence of RNA/functional studies, the actual effect of this sequence change is unknown.; Has not been previously published as pathogenic or benign to our knowledge